The following is an entry in ClinVar:

NM_001110556.2(FLNA):c.122G>T (p.Trp41Leu)

Gene: FLNA (filamin A; minus strand). Cytogenetic location: Xq28.
Variant type: single nucleotide variant.
Coding change: c.122G>T on transcript NM_001110556.2 (MANE Select); coding-DNA position 122, G replaced by T.
Protein change: p.Trp41Leu; replaces tryptophan 41 with leucine.
Molecular consequence: missense variant.
Genome position (GRCh38, 1-based): chrX:154,371,124, C>A on the plus strand (G>T on the coding strand, the complement: FLNA is on the minus strand). VCF-style: chrX-154371124-C-A. GRCh37 (hg19) VCF-style: chrX-153599492-C-A.
Other names: c.122G>T, p.Trp41Leu (NM_001456.4); short protein forms W41L.
Identifiers: ClinVar variation 3026882 (VCV003026882.24), dbSNP rs2522771792, ClinGen allele CA415255473.

ClinVar aggregate classification (germline): Uncertain significance. Review status: criteria provided, multiple submitters, no conflicts (2 of 4 stars). 2 submissions from 2 submitters: Uncertain significance (2). Last evaluated 2024-05-22.

Conditions:
Frontometaphyseal dysplasia (FMD1). Identifiers: Orphanet 1826, MedGen C0265293, MONDO:0015942.
Melnick-Needles syndrome (MNS). Also called: MELNICK-NEEDLES OSTEODYSPLASTY; OSTEODYSPLASTY OF MELNICK AND NEEDLES; Melnick-Needles Syndrome (FLNA-MNS). Identifiers: Orphanet 2484, MedGen C0025237, MONDO:0010650, OMIM 309350.
Heterotopia, periventricular, X-linked dominant (PVNH1). Also called: PERIVENTRICULAR NODULAR HETEROTOPIA 1; X-linked periventricular heterotopia; PERIVENTRICULAR NODULAR HETEROTOPIA 4; HETEROTOPIA, PERIVENTRICULAR, 1. Identifiers: Orphanet 2149, Orphanet 82004, MedGen C1848213, MONDO:0010233, OMIM 300049.
Oto-palato-digital syndrome, type II (OPD2). Also called: FACIOPALATOOSSEOUS SYNDROME; OPD II SYNDROME; Otopalatodigital Syndrome, Type II; Otopalatodigital Syndrome Type 2 (FLNA-OPD2). Identifiers: Orphanet 669, Orphanet 90652, MedGen C1844696, MONDO:0010571, OMIM 304120.

Submissions (2):

Labcorp Genetics (formerly Invitae), Labcorp
Classification: Uncertain significance for Oto-palato-digital syndrome, type II; Heterotopia, periventricular, X-linked dominant; Frontometaphyseal dysplasia; Melnick-Needles syndrome. Last evaluated: 2024-05-22. Review status: criteria provided, single submitter. Criteria: Invitae Variant Classification Sherloc (09022015). Collection method: clinical testing. Allele origin: germline.
Comment: This sequence change replaces tryptophan, which is neutral and slightly polar, with leucine, which is neutral and non-polar, at codon 41 of the FLNA protein (p.Trp41Leu). This variant is not present in population databases (gnomAD no frequency). This variant has not been reported in the literature in individuals affected with FLNA-related conditions. Advanced modeling of protein sequence and biophysical properties (such as structural, functional, and spatial information, amino acid conservation, physicochemical variation, residue mobility, and thermodynamic stability) performed at Invitae indicates that this missense variant is expected to disrupt FLNA protein function with a positive predictive value of 80%. In summary, the available evidence is currently insufficient to determine the role of this variant in disease. Therefore, it has been classified as a Variant of Uncertain Significance.

CeGaT Center for Human Genetics Tuebingen
Classification: Uncertain significance. Last evaluated: 2024-01-01. Review status: criteria provided, single submitter. Criteria: CeGaT Center For Human Genetics Tuebingen Variant Classification Criteria Version 2. Collection method: clinical testing. Allele origin: germline. Affected: yes. Observed: 1 variant allele.
Comment: FLNA: PM2:Supporting, PP2, PP3